The following is an entry in ClinVar:

ClinVar aggregate classification (germline): Pathogenic. Review status: criteria provided, multiple submitters, no conflicts (2 of 4 stars). 4 submissions from 4 submitters: Pathogenic (2). 2 of the submissions do not count toward it. Last evaluated 2025-09-22.

Conditions:
Mucolipidosis type II. Also called: Mucolipidosis II Alpha/Beta; ML II ALPHA/BETA; Mucolipidosis 2; ML 2; Inclusion cell disease; Leroy Disease. Identifiers: Orphanet 576, MedGen C2673377, MONDO:0009650, OMIM 252500.
Pseudo-Hurler polydystrophy. Also called: MUCOLIPIDOSIS IIIA; ML III; ML III ALPHA/BETA; Type III Mucolipidosis; ML IIIA; Mucolipidosis III Alpha/Beta. Identifiers: Orphanet 423461, Orphanet 577, MedGen C0033788, MONDO:0018931, OMIM 252600.
Mucopolysaccharidosis, MPS-III-A (MPS3A). Also called: SULFAMIDASE DEFICIENCY; Mucopolysaccharidosis type IIIA (Sanfilippo A); Mucopolysaccharidosis, type IIIA; HEPARAN SULFATE SULFATASE DEFICIENCY; SANFILIPPO SYNDROME A; MPS III A. Identifiers: Orphanet 581, Orphanet 79269, MedGen C0086647, MONDO:0009655, OMIM 252900.

Allele frequency attached by ClinVar (database versions not stated): gnomAD 0.00002 and 0.00003; gnomAD exomes below 0.00001; TOPMed 0.00001; ExAC 0.00001.
gnomAD v4.1: 6 of 1,613,618 alleles (0.00037%); highest among the groups gnomAD compares: African/African-American, 0.0067%; no homozygotes.

Submissions (4):

Labcorp Genetics (formerly Invitae), Labcorp
Classification: Pathogenic for Pseudo-Hurler polydystrophy; Mucolipidosis type II. Last evaluated: 2025-09-22. Review status: criteria provided, single submitter. Criteria: Invitae Variant Classification Sherloc (09022015). Collection method: clinical testing. Allele origin: germline.
Comment: This sequence change creates a premature translational stop signal (p.Gln278*) in the GNPTAB gene. It is expected to result in an absent or disrupted protein product. Loss-of-function variants in GNPTAB are known to be pathogenic (PMID: 19617216, 25107912). This variant is present in population databases (rs35878526, gnomAD 0.008%). This premature translational stop signal has been observed in individual(s) with mucolipidosis IIIA (PMID: 16465621). ClinVar contains an entry for this variant (Variation ID: 38433). Algorithms developed to predict the effect of sequence changes on RNA splicing suggest that this variant may disrupt the consensus splice site. For these reasons, this variant has been classified as Pathogenic.

Fulgent Genetics
Classification: Pathogenic for Mucolipidosis type II; Pseudo-Hurler polydystrophy. Last evaluated: 2024-05-15. Review status: criteria provided, single submitter. Criteria: ACMG Guidelines, 2015. Collection method: clinical testing. Allele origin: germline.

Natera, Inc.
Classification: Pathogenic for Mucolipidosis type II. Last evaluated: 2020-11-05. Review status: no assertion criteria provided. Collection method: clinical testing. Allele origin: germline. Not counted in ClinVar's aggregate classification.

GeneReviews
Classification: Pathogenic for Mucolipidosis III Alpha/Beta. Last evaluated: 2012-05-10. Review status: no assertion criteria provided. Collection method: curation. Allele origin: unknown. Not counted in ClinVar's aggregate classification.
ClinVar note: Converted during submission from pathologic to Pathogenic.

Literature cited by the submitters: PubMed 19617216 (cited by Labcorp Genetics (formerly Invitae), Labcorp); PubMed 25107912 (cited by Labcorp Genetics (formerly Invitae), Labcorp); PubMed 16465621 (cited by Labcorp Genetics (formerly Invitae), Labcorp).

NM_024312.5(GNPTAB):c.832C>T (p.Gln278Ter)

Gene: GNPTAB (N-acetylglucosamine-1-phosphate transferase subunits alpha and beta; minus strand). Cytogenetic location: 12q23.2.
Variant type: single nucleotide variant.
Coding change: c.832C>T on transcript NM_024312.5 (MANE Select); coding-DNA position 832, C replaced by T.
Protein change: p.Gln278Ter; replaces glutamine 278 with a stop codon.
Molecular consequence: nonsense.
Genome position (GRCh38, 1-based): chr12:101,771,097, G>A on the plus strand (C>T on the coding strand, the complement: GNPTAB is on the minus strand). VCF-style: chr12-101771097-G-A. GRCh37 (hg19) VCF-style: chr12-102164875-G-A.
Other names: AY687932:c.832C>T; short protein forms Q278*.
Identifiers: ClinVar variation 38433 (VCV000038433.14), dbSNP rs35878526, ClinGen allele CA343085.